The following is an entry in ClinVar:

ClinVar aggregate classification (germline): Pathogenic (1 of 4 stars; one submission).

Submission:

Labcorp Genetics (formerly Invitae), Labcorp
Classification: Pathogenic. Last evaluated: 2024-02-14. Review status: criteria provided, single submitter. Criteria: Invitae Variant Classification Sherloc (09022015). Collection method: clinical testing. Allele origin: germline.
Comment: This sequence change affects a donor splice site in intron 53 of the COL2A1 gene. While this variant is not anticipated to result in nonsense mediated decay, it likely alters RNA splicing and results in a disrupted protein product. This variant is not present in population databases (gnomAD no frequency). Disruption of this splice site has been observed in individual(s) with clinical features of Stickler syndrome (Invitae). Variants that disrupt the consensus splice site are a relatively common cause of aberrant splicing (PMID: 17576681, 9536098). Algorithms developed to predict the effect of sequence changes on RNA splicing suggest that this variant may disrupt the consensus splice site. This variant disrupts a region of the COL2A1 protein in which other variant(s) (p.Lys1444Asnfs*27) have been determined to be pathogenic (PMID: 23545312). This suggests that this is a clinically significant region of the protein, and that variants that disrupt it are likely to be disease-causing. For these reasons, this variant has been classified as Pathogenic.

Literature cited by the submitters: PubMed 17576681; PubMed 9536098; PubMed 23545312.

NM_001844.5(COL2A1):c.4317+1G>C

Gene: COL2A1 (collagen type II alpha 1 chain; minus strand). Cytogenetic location: 12q13.11.
Variant type: single nucleotide variant.
Coding change: c.4317+1G>C on transcript NM_001844.5 (MANE Select); the canonical splice donor site of the intron after coding-DNA position 4317, G replaced by C.
Molecular consequence: splice donor variant.
Genome position (GRCh38, 1-based): chr12:47,974,088, C>G on the plus strand (G>C on the coding strand, the complement: COL2A1 is on the minus strand). VCF-style: chr12-47974088-C-G. GRCh37 (hg19) VCF-style: chr12-48367871-C-G.
Other names: c.4110+1G>C (NM_033150.3).
Identifiers: ClinVar variation 3639539 (VCV003639539.2).
Genomic context (GRCh38, chr12:47,974,088, plus strand): 5'-CTCAGCCCTGCTCCAGGCGGTTTGGGCACAGGCAGCTCTTCTCTCTGGCAGCCCCACTCA[C>G]CGTGCAGCCATCCTTCAGGGCAGTGTACGTGAACCTGCTATTGCCCTCTGCCCGGATCTC-3'